The following is an entry in ClinVar:

NM_000179.3(MSH6):c.3195C>G (p.Asn1065Lys)

Gene: MSH6 (mutS homolog 6; plus strand). Cytogenetic location: 2p16.3.
Variant type: single nucleotide variant.
Coding change: c.3195C>G on transcript NM_000179.3 (MANE Select); coding-DNA position 3195, C replaced by G.
Protein change: p.Asn1065Lys; replaces asparagine 1065 with lysine.
Molecular consequence: missense variant.
Genome position (GRCh38, 1-based): chr2:47,803,442, C>G. VCF-style: chr2-47803442-C-G. GRCh37 (hg19) VCF-style: chr2-48030581-C-G.
Other names: c.2805C>G, p.Asn935Lys (NM_001281492.2); c.2289C>G, p.Asn763Lys (NM_001281493.2, NM_001281494.2); short protein forms N1065K, N763K, N935K.
Identifiers: ClinVar variation 237180 (VCV000237180.16), dbSNP rs759260316, ClinGen allele CA070349.

ClinVar aggregate classification (germline): Uncertain significance. Review status: criteria provided, multiple submitters, no conflicts (2 of 4 stars). 3 submissions from 3 submitters: Uncertain significance (3). Last evaluated 2025-06-25.

Conditions:
Hereditary nonpolyposis colorectal neoplasms. Identifiers: MedGen C0009405, MeSH D003123.
Lynch syndrome. Identifiers: Orphanet 144, MedGen C4552100, MONDO:0005835. Disease mechanism: loss of function.
Hereditary cancer-predisposing syndrome. Also called: Hereditary neoplastic syndrome; Hereditary Cancer Syndrome; Neoplastic Syndromes, Hereditary; Tumor predisposition. Identifiers: Orphanet 140162, MedGen C0027672, MeSH D009386, MONDO:0015356.

Allele frequency attached by ClinVar (database versions not stated): gnomAD exomes below 0.00001; ExAC 0.00001.

Submissions (3):

Ambry Genetics
Classification: Uncertain significance for Hereditary cancer-predisposing syndrome. Last evaluated: 2025-06-25. Review status: criteria provided, single submitter. Criteria: Ambry Variant Classification Scheme 2023. Collection method: clinical testing. Allele origin: germline.
Comment: The p.N1065K variant (also known as c.3195C>G), located in coding exon 5 of the MSH6 gene, results from a C to G substitution at nucleotide position 3195. The asparagine at codon 1065 is replaced by lysine, an amino acid with similar properties. This amino acid position is not well conserved in available vertebrate species. In addition, this alteration is predicted to be tolerated by in silico analysis. Based on the available evidence, the clinical significance of this variant remains unclear.

All of Us Research Program, National Institutes of Health
Classification: Uncertain significance for Lynch syndrome. Last evaluated: 2023-09-17. Review status: criteria provided, single submitter. Criteria: ACMG Guidelines, 2015. Collection method: clinical testing. Allele origin: germline. Inheritance: Autosomal dominant inheritance. Observed: 2 variant alleles, 2 heterozygotes.
Comment: This missense variant replaces asparagine with lysine at codon 1065 of the MSH6 protein. Computational prediction suggests that this variant may not impact protein structure and function (internally defined REVEL score threshold <= 0.5, PMID: 27666373). To our knowledge, functional studies have not been reported for this variant. This variant has not been reported in individuals affected with MSH6-related disorders in the literature. This variant has been identified in 1/251354 chromosomes in the general population by the Genome Aggregation Database (gnomAD). The available evidence is insufficient to determine the role of this variant in disease conclusively. Therefore, this variant is classified as a Variant of Uncertain Significance.

This study involves interpretation of variants in research participants for the purpose of population health screening. Participant phenotype was not available at the time of variant classification. Additional details can be found in publication PMID: 35346344, PMCID: PMC8962531

Labcorp Genetics (formerly Invitae), Labcorp
Classification: Uncertain significance for Hereditary nonpolyposis colorectal neoplasms. Last evaluated: 2020-03-25. Review status: criteria provided, single submitter. Criteria: Invitae Variant Classification Sherloc (09022015). Collection method: clinical testing. Allele origin: germline.
Comment: In summary, the available evidence is currently insufficient to determine the role of this variant in disease. Therefore, it has been classified as a Variant of Uncertain Significance. Algorithms developed to predict the effect of missense changes on protein structure and function (SIFT, PolyPhen-2, Align-GVGD) all suggest that this variant is likely to be tolerated, but these predictions have not been confirmed by published functional studies and their clinical significance is uncertain. This variant has not been reported in the literature in individuals with MSH6-related disease. ClinVar contains an entry for this variant (Variation ID: 237180). This variant is present in population databases (rs759260316, ExAC 0.001%). This sequence change replaces asparagine with lysine at codon 1065 of the MSH6 protein (p.Asn1065Lys). The asparagine residue is weakly conserved and there is a moderate physicochemical difference between asparagine and lysine.